The following is an entry in ClinVar:

ClinVar aggregate classification (germline): Uncertain significance (1 of 4 stars; one submission).

Submission:

GeneDx
Classification: Uncertain significance. Last evaluated: 2019-04-12. Review status: criteria provided, single submitter. Criteria: GeneDx Variant Classification Process June 2021. Collection method: clinical testing. Allele origin: germline. Affected: yes.
Comment: Not observed in large population cohorts (Lek et al., 2016); Has not been previously published as pathogenic or benign to our knowledge

NM_000360.4(TH):c.706T>G (p.Tyr236Asp)

Gene: TH (tyrosine hydroxylase; minus strand). Cytogenetic location: 11p15.5.
Variant type: single nucleotide variant.
Coding change: c.706T>G on transcript NM_000360.4 (MANE Select); coding-DNA position 706, T replaced by G.
Protein change: p.Tyr236Asp; replaces tyrosine 236 with aspartic acid.
Molecular consequence: missense variant.
Genome position (GRCh38, 1-based): chr11:2,167,022, A>C on the plus strand (T>G on the coding strand, the complement: TH is on the minus strand). VCF-style: chr11-2167022-A-C. GRCh37 (hg19) VCF-style: chr11-2188252-A-C.
Other names: c.799T>G, p.Tyr267Asp (NM_199292.3); c.787T>G, p.Tyr263Asp (NM_199293.3); short protein forms Y236D, Y263D, Y267D.
Identifiers: ClinVar variation 1303321 (VCV001303321.2), dbSNP rs2133693875, ClinGen allele CA379127126.
Genomic context (GRCh38, chr11:2,167,022, plus strand): 5'-CAAAGGCCTCCAGGTGCTCCCCGCAGGCGTGCGTGGCGTAGAGGCCCTTCAGCGTGGTGT[A>C]GACCTCCTTCCTGCGGGCAGCCAGGCTCAGGGCCCTCTAATGCCCCACCCCAGTGCCCGA-3'
Protein context (NP_000351.2, residues 226-246): AEEIATWKEV[Tyr236Asp]TTLKGLYATH